The following is an entry in ClinVar:

ClinVar aggregate classification (germline): Pathogenic (1 of 4 stars; one submission).

Conditions:
Von Hippel-Lindau syndrome (VHLS). Also called: Von Hippel-Lindau; von Hippel–Lindau syndrome; VHL syndrome. Identifiers: Orphanet 892, MedGen C0019562, MONDO:0008667, OMIM 193300. Disease mechanism: loss of function.
Chuvash polycythemia. Also called: POLYCYTHEMIA, VHL-DEPENDENT. Identifiers: Orphanet 238557, MedGen C1837915, MONDO:0009892, OMIM 263400.

Submission:

Labcorp Genetics (formerly Invitae), Labcorp
Classification: Pathogenic for Von Hippel-Lindau syndrome; Chuvash polycythemia. Last evaluated: 2017-12-15. Review status: criteria provided, single submitter. Criteria: Invitae Variant Classification Sherloc (09022015). Collection method: clinical testing. Allele origin: germline.
Comment: A gross deletion of the genomic region encompassing the full coding sequence of the VHL gene has been identified. The boundaries of this event are unknown as the deletion extends beyond the assayed region for this gene and therefore may encompass additional genes. Deletions of the entire VHL gene have been reported in multiple individuals and families with von Hippel-Lindau syndrome (PMID: 10830910, 10567493, 8634692, 17537157, 20567917). Loss-of-function variants in VHL are known to be pathogenic (PMID: 8956040, 12202531). For these reasons, this variant has been classified as Pathogenic.

Literature cited by the submitters: PubMed 20567917; PubMed 17537157; PubMed 8634692; PubMed 10830910; PubMed 10567493.

NC_000003.12:g.(?_10064723)_(10149971_?)del

Genes: FANCD2OS (FANCD2 opposite strand; minus strand), BRK1 (BRICK1 subunit of SCAR/WAVE actin nucleating complex; plus strand), FANCD2 (FA complementation group D2; plus strand), VHL (von Hippel-Lindau tumor suppressor; plus strand), LOC107303338 (3p25 FANCD2 Alu-mediated recombination region; plus strand) and 4 more. Cytogenetic location: 3p25.3.
Variant type: Deletion.
Identifiers: ClinVar variation 456559 (VCV000456559.1).